The following is an entry in ClinVar:

ClinVar aggregate classification (germline): Pathogenic (1 of 4 stars; one submission).

Submission:

Labcorp Genetics (formerly Invitae), Labcorp
Classification: Pathogenic. Last evaluated: 2025-08-04. Review status: criteria provided, single submitter. Criteria: Invitae Variant Classification Sherloc (09022015). Collection method: clinical testing. Allele origin: germline.
Comment: This sequence change replaces glycine, which is neutral and non-polar, with cysteine, which is neutral and slightly polar, at codon 1333 of the COL4A5 protein (p.Gly1333Cys). This variant also falls at the last nucleotide of exon 43, which is part of the consensus splice site for this exon. This variant is not present in population databases (gnomAD no frequency). This variant has not been reported in the literature in individuals affected with COL4A5-related conditions. An algorithm developed to predict the effect of missense changes on protein structure and function (PolyPhen-2) suggests that this variant is likely to be disruptive. Variants that disrupt the consensus splice site are a relatively common cause of aberrant splicing (PMID: 17576681, 9536098). Algorithms developed to predict the effect of sequence changes on RNA splicing suggest that this variant may disrupt the consensus splice site. This variant disrupts the triple helix domain of COL4A5. Glycine residues within the Gly-Xaa-Yaa repeats of the triple helix domain are required for the structure and stability of fibrillar collagens (PMID: 7695699, 8218237, 19344236). In COL4A5, missense variants at these glycine residues are significantly enriched in individuals with disease (PMID: 23720012, 27627812) compared to the general population (ExAC). For these reasons, this variant has been classified as Pathogenic.

Literature cited by the submitters: PubMed 17576681; PubMed 9536098; PubMed 7695699; PubMed 8218237; PubMed 19344236; PubMed 23720012; PubMed 27627812.

NM_033380.3(COL4A5):c.4015G>T (p.Gly1339Cys)

Gene: COL4A5 (collagen type IV alpha 5 chain; plus strand). Cytogenetic location: Xq22.3.
Variant type: single nucleotide variant.
Coding change: c.4015G>T on transcript NM_033380.3 (MANE Select); coding-DNA position 4015, G replaced by T.
Protein change: p.Gly1339Cys; replaces glycine 1339 with cysteine.
Molecular consequence: missense variant.
Genome position (GRCh38, 1-based): chrX:108,680,751, G>T. VCF-style: chrX-108680751-G-T. GRCh37 (hg19) VCF-style: chrX-107923981-G-T.
Other names: c.3997G>T, p.Gly1333Cys (NM_000495.5); short protein forms G1333C, G1339C.
Identifiers: ClinVar variation 4724832 (VCV004724832.1).